The following is an entry in ClinVar:

NM_000929.3(PLA2G5):c.368G>A (p.Arg123Gln)

Gene: PLA2G5 (phospholipase A2 group V; plus strand). Cytogenetic location: 1p36.13.
Variant type: single nucleotide variant.
Coding change: c.368G>A on transcript NM_000929.3 (MANE Select); coding-DNA position 368, G replaced by A.
Protein change: p.Arg123Gln; replaces arginine 123 with glutamine.
Molecular consequence: missense variant.
Genome position (GRCh38, 1-based): chr1:20,090,643, G>A. VCF-style: chr1-20090643-G-A. GRCh37 (hg19) VCF-style: chr1-20417136-G-A.
Other names: short protein forms R123Q.
Identifiers: ClinVar variation 837217 (VCV000837217.10), dbSNP rs140232035, ClinGen allele CA658280.

ClinVar aggregate classification (germline): Conflicting classifications of pathogenicity. Review status: criteria provided, conflicting classifications (1 of 4 stars). 3 submissions from 3 submitters: Uncertain significance (2); Likely benign (1). Last evaluated 2026-01-13.

Allele frequency attached by ClinVar (database versions not stated): ESP Exome Variant Server 0.00023; ExAC 0.00033; 1000 Genomes Project 0.00040; gnomAD exomes 0.00042 and 0.00049; 1000 Genomes Project 30x 0.00047; gnomAD 0.00057 and 0.00058; TOPMed 0.00062.
gnomAD v4.1: 686 of 1,613,956 alleles (0.043%); highest among the groups gnomAD compares: Admixed American, 0.18%; 4 homozygotes.

Submissions (3):

Labcorp Genetics (formerly Invitae), Labcorp
Classification: Uncertain significance. Last evaluated: 2026-01-13. Review status: criteria provided, single submitter. Criteria: Invitae Variant Classification Sherloc (09022015). Collection method: clinical testing. Allele origin: germline.
Comment: This sequence change replaces arginine, which is basic and polar, with glutamine, which is neutral and polar, at codon 123 of the PLA2G5 protein (p.Arg123Gln). This variant is present in population databases (rs140232035, gnomAD 0.1%), and has an allele count higher than expected for a pathogenic variant. This variant has not been reported in the literature in individuals affected with PLA2G5-related conditions. ClinVar contains an entry for this variant (Variation ID: 837217). An algorithm developed to predict the effect of missense changes on protein structure and function (PolyPhen-2) suggests that this variant is likely to be tolerated. In summary, the available evidence is currently insufficient to determine the role of this variant in disease. Therefore, it has been classified as a Variant of Uncertain Significance.

Blueprint Genetics
Classification: Likely benign. Last evaluated: 2024-11-05. Review status: criteria provided, single submitter. Criteria: ACMG Guidelines, 2015. Collection method: clinical testing. Allele origin: germline.

Breakthrough Genomics
Classification: Uncertain significance. Review status: criteria provided, single submitter. Criteria: ACMG Guidelines, 2015. Collection method: not provided. Allele origin: germline. Inheritance: Autosomal recessive inheritance. Affected: yes.